The following is an entry in ClinVar:

NM_138420.4(AHNAK2):c.6045A>G (p.Ala2015=)

Gene: AHNAK2 (AHNAK nucleoprotein 2; minus strand). Cytogenetic location: 14q32.33.
Variant type: single nucleotide variant.
Coding change: c.6045A>G on transcript NM_138420.4 (MANE Select); coding-DNA position 6045, A replaced by G.
Protein change: p.Ala2015=; no amino-acid change (alanine 2015 retained).
Molecular consequence: synonymous variant.
Genome position (GRCh38, 1-based): chr14:104,949,406, T>C on the plus strand (A>G on the coding strand, the complement: AHNAK2 is on the minus strand). VCF-style: chr14-104949406-T-C. GRCh37 (hg19) VCF-style: chr14-105415743-T-C.
Other names: c.5745A>G, p.Ala1915= (NM_001350929.2).
Identifiers: ClinVar variation 2644761 (VCV002644761.24), dbSNP rs370295138, ClinGen allele CA7381375.

ClinVar aggregate classification (germline): Benign (1 of 4 stars; one submission).

Allele frequency attached by ClinVar (database versions not stated): gnomAD exomes 0.00028; ExAC 0.00092; 1000 Genomes Project 0.00160; 1000 Genomes Project 30x 0.00312.

Submission:

CeGaT Center for Human Genetics Tuebingen
Classification: Benign. Last evaluated: 2022-06-01. Review status: criteria provided, single submitter. Criteria: CeGaT Center For Human Genetics Tuebingen Variant Classification Criteria Version 2. Collection method: clinical testing. Allele origin: germline. Affected: yes. Observed: 1 variant allele.
Comment: AHNAK2: BS1, BS2